The following is an entry in ClinVar:

NM_022489.4(INF2):c.2923G>A (p.Ala975Thr)

Gene: INF2 (inverted formin 2; plus strand). Cytogenetic location: 14q32.33.
Variant type: single nucleotide variant.
Coding change: c.2923G>A on transcript NM_022489.4 (MANE Select); coding-DNA position 2923, G replaced by A.
Protein change: p.Ala975Thr; replaces alanine 975 with threonine.
Molecular consequence: missense variant. On other transcripts: non-coding transcript variant (1).
Genome position (GRCh38, 1-based): chr14:104,713,489, G>A. VCF-style: chr14-104713489-G-A. GRCh37 (hg19) VCF-style: chr14-105179826-G-A.
Other names: c.2923G>A, p.Ala975Thr (NM_001031714.4, NM_001426862.1, NM_001426863.1 and 2 more transcripts); short protein forms A975T.
Identifiers: ClinVar variation 5008604 (VCV005008604.1).
Genomic context (GRCh38, chr14:104,713,489, plus strand): 5'-GCCCCACGCTCCTCAGTCAGGAAGGGGCCCGGGAAGCAGGAGGAGGTGTGTGTCATCGAT[G>A]CCCTGCTGGCTGACATCAGGAAGGGCTTCCAGCTGCGGAAGACAGCCCGGGGCCGCGGGG-3'
Protein context (NP_071934.3, residues 965-985): GKQEEVCVID[Ala975Thr]LLADIRKGFQ

ClinVar aggregate classification (germline): Uncertain significance (1 of 4 stars; one submission).

Submission:

GeneDx
Classification: Uncertain significance. Last evaluated: 2026-03-08. Review status: criteria provided, single submitter. Criteria: GeneDx Variant Classification Process June 2021. Collection method: clinical testing. Allele origin: germline.
Comment: Not observed at significant frequency in large population cohorts (gnomAD); In silico analysis suggests that this missense variant does not alter protein structure/function; Has not been previously published as pathogenic or benign to our knowledge